The following is an entry in ClinVar:

ClinVar aggregate classification (germline): Likely benign (1 of 4 stars; one submission).

Submission:

CeGaT Center for Human Genetics Tuebingen
Classification: Likely benign. Last evaluated: 2024-10-01. Review status: criteria provided, single submitter. Criteria: CeGaT Center For Human Genetics Tuebingen Variant Classification Criteria Version 2. Collection method: clinical testing. Allele origin: germline. Affected: yes. Observed: 1 variant allele.
Comment: MYO9A: BP4, BP7

NM_006901.4(MYO9A):c.549A>G (p.Leu183=)

Gene: MYO9A (myosin IXA; minus strand). Cytogenetic location: 15q23.
Variant type: single nucleotide variant.
Coding change: c.549A>G on transcript NM_006901.4 (MANE Select); coding-DNA position 549, A replaced by G.
Protein change: p.Leu183=; no amino-acid change (leucine 183 retained).
Molecular consequence: synonymous variant.
Genome position (GRCh38, 1-based): chr15:72,046,015, T>C on the plus strand (A>G on the coding strand, the complement: MYO9A is on the minus strand). VCF-style: chr15-72046015-T-C. GRCh37 (hg19) VCF-style: chr15-72338356-T-C.
Identifiers: ClinVar variation 3388484 (VCV003388484.14).